The following is an entry in ClinVar:

NM_001042492.3(NF1):c.6658del (p.Ile2220fs)

Gene: NF1 (neurofibromin 1; plus strand). Cytogenetic location: 17q11.2.
Variant type: Deletion.
Coding change: c.6658del on transcript NM_001042492.3 (MANE Select); coding-DNA position 6658, one base deleted (A; older notation c.6658delA).
Protein change: p.Ile2220fs; shifts the reading frame from isoleucine 2220.
Molecular consequence: frameshift variant.
Genome position (GRCh38, 1-based): chr17:31,337,834, A deleted. VCF-style (leftmost placement, unchanged base first): chr17-31337833-TA-T. GRCh37 (hg19) VCF-style: chr17-29664851-TA-T.
Other names: c.6595delA, p.Ile2199Phefs (NM_000267.4); short protein forms I2220fs, I2199fs.
Identifiers: ClinVar variation 933911 (VCV000933911.1), dbSNP rs2069717157, ClinGen allele CA1139665452.

ClinVar aggregate classification (germline): Pathogenic (1 of 4 stars; one submission).

Conditions:
Neurofibromatosis, type 1 (NF1). Also called: VON RECKLINGHAUSEN DISEASE; Peripheral type neurofibromatosis; Neurofibromatosis, type I; NEUROFIBROMATOSIS, TYPE I, SOMATIC. Identifiers: Orphanet 636, MedGen C0027831, MONDO:0018975, OMIM 162200. Disease mechanism: loss of function.

Submission:

Labcorp Genetics (formerly Invitae), Labcorp
Classification: Pathogenic for Neurofibromatosis, type 1. Last evaluated: 2019-10-09. Review status: criteria provided, single submitter. Criteria: Invitae Variant Classification Sherloc (09022015). Collection method: clinical testing. Allele origin: germline.
Comment: This sequence change creates a premature translational stop signal (p.Ile2199Phefs*13) in the NF1 gene. It is expected to result in an absent or disrupted protein product. This variant is not present in population databases (ExAC no frequency). This variant has not been reported in the literature in individuals with NF1-related conditions. Loss-of-function variants in NF1 are known to be pathogenic (PMID: 10712197, 23913538). For these reasons, this variant has been classified as Pathogenic.